The following is an entry in ClinVar:

ClinVar aggregate classification (germline): Uncertain significance (1 of 4 stars; one submission).

Conditions:
Hypertrophic cardiomyopathy. Also called: HYPERTROPHIC MYOCARDIOPATHY. Identifiers: Orphanet 217569, MedGen C0007194, MeSH D002312, MONDO:0005045, HP:0001639.

Submission:

Labcorp Genetics (formerly Invitae), Labcorp
Classification: Uncertain significance for Hypertrophic cardiomyopathy. Last evaluated: 2025-09-08. Review status: criteria provided, single submitter. Criteria: Invitae Variant Classification Sherloc (09022015). Collection method: clinical testing. Allele origin: germline.
Comment: This variant results in the deletion of part of exon 6 (c.1022_1022+1delinsCA) of the MYOM1 gene. It is expected to disrupt RNA splicing. Variants that disrupt the donor or acceptor splice site typically lead to a loss of protein function (PMID: 16199547), however the current clinical and genetic evidence is not sufficient to establish whether loss-of-function variants in MYOM1 cause disease. Information on the frequency of this variant in the gnomAD database is not available, as this variant may be reported differently in the database. This variant has not been reported in the literature in individuals affected with MYOM1-related conditions. ClinVar contains an entry for this variant (Variation ID: 525039). In summary, the available evidence is currently insufficient to determine the role of this variant in disease. Therefore, it has been classified as a Variant of Uncertain Significance.

Literature cited by the submitters: PubMed 16199547.

NM_003803.4(MYOM1):c.1022_1022+1delinsCA

Gene: MYOM1 (myomesin 1; minus strand). Cytogenetic location: 18p11.31.
Variant type: Indel.
Coding change: c.1022_1022+1delinsCA on transcript NM_003803.4 (MANE Select); coding-DNA position 1022 through the canonical splice donor site of the intron after coding-DNA position 1022, GG replaced by CA.
Molecular consequence: splice donor variant.
Genome position (GRCh38, 1-based): chr18:3,176,041-3,176,042, CC replaced by TG on the plus strand (GG replaced by CA on the coding strand, the reverse complement: MYOM1 is on the minus strand). VCF-style: chr18-3176041-CC-TG. GRCh37 (hg19) VCF-style: chr18-3176039-CC-TG.
Other names: c.1022_1022+1delGGinsCA (NM_003803.3); c.1022_1022+1delinsCA (NM_019856.2).
Identifiers: ClinVar variation 525039 (VCV000525039.10), dbSNP rs1555627004, ClinGen allele CA658798998.